The following is an entry in ClinVar:

ClinVar aggregate classification (germline): Pathogenic (1 of 4 stars; one submission).

Conditions:
Familial thoracic aortic aneurysm and aortic dissection (TAAD). Also called: Thoracic aortic aneurysms and dissections. Identifiers: Orphanet 91387, MedGen C4707243, MONDO:0019625.
Marfan syndrome (MFS). Also called: FBN1-Related Marfan Syndrome; Marfan syndrome type 1; Marfan's syndrome; Marfan syndrome, classic; MARFAN SYNDROME, TYPE I. Identifiers: Orphanet 284963, Orphanet 558, MedGen C0024796, MONDO:0007947, OMIM 154700.

Submission:

Labcorp Genetics (formerly Invitae), Labcorp
Classification: Pathogenic for Marfan syndrome; Familial thoracic aortic aneurysm and aortic dissection. Last evaluated: 2022-08-15. Review status: criteria provided, single submitter. Criteria: Invitae Variant Classification Sherloc (09022015). Collection method: clinical testing. Allele origin: germline.
Comment: For these reasons, this variant has been classified as Pathogenic. ClinVar contains an entry for this variant (Variation ID: 646300). This variant has not been reported in the literature in individuals affected with FBN1-related conditions. This variant is not present in population databases (gnomAD no frequency). This sequence change creates a premature translational stop signal (p.Val2701Glnfs*3) in the FBN1 gene. It is expected to result in an absent or disrupted protein product. Loss-of-function variants in FBN1 are known to be pathogenic (PMID: 17657824, 19293843).

Literature cited by the submitters: PubMed 17657824; PubMed 19293843.

NM_000138.5(FBN1):c.8101_8102del (p.Val2701fs)

Gene: FBN1 (fibrillin 1; minus strand). Cytogenetic location: 15q21.1.
Variant type: Deletion.
Coding change: c.8101_8102del on transcript NM_000138.5 (MANE Select); coding-DNA positions 8101 to 8102, 2 bases deleted (GT; older notation c.8101_8102delGT).
Protein change: p.Val2701fs; shifts the reading frame from valine 2701.
Molecular consequence: frameshift variant.
Genome position (GRCh38, 1-based): chr15:48,412,693-48,412,694, AC deleted on the plus strand (GT on the coding strand, the reverse complement: FBN1 is on the minus strand); deleting any 2 consecutive bases within chr15:48,412,693-48,412,695 gives the same sequence; the c. name uses the placement nearest the transcript's 3' end. VCF-style (leftmost placement, unchanged base first): chr15-48412692-GAC-G. GRCh37 (hg19) VCF-style: chr15-48704889-GAC-G.
Other names: c.8101_8102delGT (NM_000138.4); short protein forms V2701fs.
Identifiers: ClinVar variation 646300 (VCV000646300.8), dbSNP rs1597507763, ClinGen allele CA915946622.